The following is an entry in ClinVar:

ClinVar aggregate classification (germline): Uncertain significance (1 of 4 stars; one submission).

Conditions:
Hereditary cancer-predisposing syndrome. Also called: Tumor predisposition; Hereditary neoplastic syndrome; Neoplastic Syndromes, Hereditary; Hereditary Cancer Syndrome. Identifiers: Orphanet 140162, MedGen C0027672, MeSH D009386, MONDO:0015356.

Allele frequency attached by ClinVar (database versions not stated): gnomAD exomes 0.00001.
gnomAD v4.1: 5 of 1,614,000 alleles (0.00031%); highest among the groups gnomAD compares: Non-Finnish European, 0.00042%; no homozygotes.

Submission:

Ambry Genetics
Classification: Uncertain significance for Hereditary cancer-predisposing syndrome. Last evaluated: 2025-08-28. Review status: criteria provided, single submitter. Criteria: Ambry Variant Classification Scheme 2023. Collection method: clinical testing. Allele origin: germline.
Comment: The p.S35P variant (also known as c.103T>C), located in coding exon 1 of the CHEK2 gene, results from a T to C substitution at nucleotide position 103. The serine at codon 35 is replaced by proline, an amino acid with similar properties. This amino acid position is not well conserved in available vertebrate species. In addition, the in silico prediction for this alteration is inconclusive. Since supporting evidence is limited at this time, the clinical significance of this alteration remains unclear.

NM_007194.4(CHEK2):c.103T>C (p.Ser35Pro)

Gene: CHEK2 (checkpoint kinase 2; minus strand). Cytogenetic location: 22q12.1.
Variant type: single nucleotide variant.
Coding change: c.103T>C on transcript NM_007194.4 (MANE Select); coding-DNA position 103, T replaced by C.
Protein change: p.Ser35Pro; replaces serine 35 with proline.
Molecular consequence: missense variant.
Genome position (GRCh38, 1-based): chr22:28,734,619, A>G on the plus strand (T>C on the coding strand, the complement: CHEK2 is on the minus strand). VCF-style: chr22-28734619-A-G. GRCh37 (hg19) VCF-style: chr22-29130607-A-G.
Other names: c.103T>C, p.Ser35Pro (NM_001005735.3, NM_001349956.3, NM_145862.3); c.-675T>C (NM_001257387.3); short protein forms S35P.
Identifiers: ClinVar variation 818300 (VCV000818300.5), dbSNP rs1601853381, ClinGen allele CA411091469.